The following is an entry in ClinVar:

NM_000540.3(RYR1):c.4520G>A (p.Arg1507Gln)

Gene: RYR1 (ryanodine receptor 1; plus strand). Cytogenetic location: 19q13.2.
Variant type: single nucleotide variant.
Coding change: c.4520G>A on transcript NM_000540.3 (MANE Select); coding-DNA position 4520, G replaced by A.
Protein change: p.Arg1507Gln; replaces arginine 1507 with glutamine.
Molecular consequence: missense variant.
Genome position (GRCh38, 1-based): chr19:38,478,500, G>A. VCF-style: chr19-38478500-G-A. GRCh37 (hg19) VCF-style: chr19-38969140-G-A.
Other names: c.4520G>A, p.Arg1507Gln (NM_001042723.2); short protein forms R1507Q.
Identifiers: ClinVar variation 329030 (VCV000329030.17), dbSNP rs758206000, ClinGen allele CA066178.

ClinVar aggregate classification (germline): Uncertain significance. Review status: criteria provided, multiple submitters, no conflicts (2 of 4 stars). 7 submissions from 6 submitters: Uncertain significance (7). Last evaluated 2024-05-14.

Conditions:
Central core myopathy (CMYO1A). Also called: Central core disease; Myopathy, central fibrillar; CONGENITAL MYOPATHY 1A, AUTOSOMAL DOMINANT, WITH SUSCEPTIBILITY TO MALIGNANT HYPERTHERMIA. Identifiers: Orphanet 597, MedGen C5830701, MONDO:0007294, OMIM 117000.
Malignant hyperthermia, susceptibility to, 1 (MHS1). Also called: Anesthesia related hyperthermia; Malignant hyperpyrexia; Fulminating hyperpyrexia; Pharmacogenic myopathy; RYR1-Related Malignant Hyperthermia Susceptibility; Malignant hyperthermia suceptibility 1. Identifiers: Orphanet 423, MedGen C2930980, MONDO:0007783, OMIM 145600.
Congenital multicore myopathy with external ophthalmoplegia (CMYO1B). Also called: MULTICORE MYOPATHY; Minicore myopathy with external ophthalmoplegia; Congenital myopathy 1B, autosomal recessive; Minicore myopathy; MULTIMINICORE DISEASE WITH EXTERNAL OPHTHALMOPLEGIA. Identifiers: Orphanet 598, Orphanet 98905, MedGen C1850674, MONDO:0009712, OMIM 255320, HP:0003789.
Congenital myopathy with fiber type disproportion. Also called: Congenital fiber-type disproportion; Congenital fiber-type disproportion myopathy. Identifiers: Orphanet 2020, MedGen C0546264, MONDO:0009711. Inheritance: all.
King Denborough syndrome (KDS). Identifiers: MedGen C1840365, MONDO:0020485, OMIM 619542.
RYR1-related disorder. Also called: RYR1-related condition; RYR1-related disorders. Identifiers: MedGen CN239331.

Allele frequency attached by ClinVar (database versions not stated): ExAC 0.00001; gnomAD exomes 0.00001; gnomAD 0.00002; TOPMed 0.00002.
gnomAD v4.1: 20 of 1,613,988 alleles (0.0012%); highest among the groups gnomAD compares: African/African-American, 0.0027%; no homozygotes.

Submissions (7):

All of Us Research Program, National Institutes of Health
Classification: Uncertain significance for Malignant hyperthermia, susceptibility to, 1. Last evaluated: 2024-05-14. Review status: criteria provided, single submitter. Criteria: ACMG Guidelines, 2015. Collection method: clinical testing. Allele origin: germline. Inheritance: Autosomal dominant inheritance. Observed: 9 variant alleles, 9 heterozygotes.
Comment: This missense variant replaces arginine with glutamine at codon 1507 of the RYR1 protein. Computational prediction suggests that this variant may have deleterious impact on protein structure and function (internally defined REVEL score threshold >= 0.7, PMID: 27666373). To our knowledge, functional studies have not been reported for this variant. This variant has been reported in an individual affected with period paralysis (PMID: 29298851). This variant has been identified in 2/251392 chromosomes in the general population by the Genome Aggregation Database (gnomAD). The available evidence is insufficient to determine the role of this variant in disease conclusively. Therefore, this variant is classified as a Variant of Uncertain Significance.

This study involves interpretation of variants in research participants for the purpose of population health screening. Participant phenotype was not available at the time of variant classification. Additional details can be found in publication PMID: 35346344, PMCID: PMC8962531

Labcorp Genetics (formerly Invitae), Labcorp
Classification: Uncertain significance for RYR1-related disorder. Last evaluated: 2023-12-15. Review status: criteria provided, single submitter. Criteria: Invitae Variant Classification Sherloc (09022015). Collection method: clinical testing. Allele origin: germline.
Comment: This sequence change replaces arginine, which is basic and polar, with glutamine, which is neutral and polar, at codon 1507 of the RYR1 protein (p.Arg1507Gln). This variant is present in population databases (rs758206000, gnomAD 0.007%). This missense change has been observed in individual(s) with period paralysis (PMID: 29298851). ClinVar contains an entry for this variant (Variation ID: 329030). Advanced modeling of protein sequence and biophysical properties (such as structural, functional, and spatial information, amino acid conservation, physicochemical variation, residue mobility, and thermodynamic stability) has been performed at Invitae for this missense variant, however the output from this modeling did not meet the statistical confidence thresholds required to predict the impact of this variant on RYR1 protein function. In summary, the available evidence is currently insufficient to determine the role of this variant in disease. Therefore, it has been classified as a Variant of Uncertain Significance.

GeneDx
Classification: Uncertain significance. Last evaluated: 2022-09-14. Review status: criteria provided, single submitter. Criteria: GeneDx Variant Classification Process June 2021. Collection method: clinical testing. Allele origin: germline. Affected: yes.
Comment: Identified in a single patient with episodic limb weakness and muscle cramps with myalgia; however, evidence in support of pathogenicity for this variant was not provided in the report (Matthews et al., 2018); Not observed at significant frequency in large population cohorts (gnomAD); In silico analysis supports that this missense variant does not alter protein structure/function; This variant is associated with the following publications: (PMID: 29298851)

Fulgent Genetics
Classification: Uncertain significance for Central core myopathy; Malignant hyperthermia, susceptibility to, 1; Congenital myopathy 4A, autosomal dominant; Congenital multicore myopathy with external ophthalmoplegia; King Denborough syndrome. Last evaluated: 2022-04-22. Review status: criteria provided, single submitter. Criteria: ACMG Guidelines, 2015. Collection method: clinical testing. Allele origin: unknown.

Revvity Omics, Revvity
Classification: Uncertain significance. Last evaluated: 2019-09-09. Review status: criteria provided, single submitter. Criteria: ACMG Guidelines, 2015. Collection method: clinical testing. Allele origin: germline.

Illumina Laboratory Services, Illumina
Classification: Uncertain significance for Congenital multicore myopathy with external ophthalmoplegia. Last evaluated: 2018-01-13. Review status: criteria provided, single submitter. Criteria: ICSL Variant Classification Criteria 13 December 2019. Collection method: clinical testing. Allele origin: germline.

Illumina Laboratory Services, Illumina
Classification: Uncertain significance for Malignant hyperthermia, susceptibility to, 1. Last evaluated: 2018-01-13. Review status: criteria provided, single submitter. Criteria: ICSL Variant Classification Criteria 13 December 2019. Collection method: clinical testing. Allele origin: germline.

Literature cited by the submitters: PubMed 29298851 (cited by All of Us Research Program, National Institutes of Health and Labcorp Genetics (formerly Invitae), Labcorp).